The following is an entry in ClinVar:

NM_001655.5(ARCN1):c.265G>C (p.Val89Leu)

Gene: ARCN1 (archain 1 coat protein complex I subunit delta; plus strand). Cytogenetic location: 11q23.3.
Variant type: single nucleotide variant.
Coding change: c.265G>C on transcript NM_001655.5 (MANE Select); coding-DNA position 265, G replaced by C.
Protein change: p.Val89Leu; replaces valine 89 with leucine.
Molecular consequence: missense variant. On other transcripts: intron variant (1).
Genome position (GRCh38, 1-based): chr11:118,581,507, G>C. VCF-style: chr11-118581507-G-C. GRCh37 (hg19) VCF-style: chr11-118452222-G-C.
Other names: c.265G>C, p.Val89Leu (NM_001425073.1, NM_001425077.1, NM_001425078.1); c.208G>C, p.Val70Leu (NM_001425075.1); c.196G>C, p.Val66Leu (NM_001425076.1); c.4-1672G>C (NM_001142281.2); short protein forms V70L, V89L, V66L.
Identifiers: ClinVar variation 2816306 (VCV002816306.3), dbSNP rs782189649, ClinGen allele CA6306023.

ClinVar aggregate classification (germline): Uncertain significance (1 of 4 stars; one submission).

Allele frequency attached by ClinVar (database versions not stated): gnomAD exomes below 0.00001; TOPMed below 0.00001; gnomAD 0.00001; ExAC 0.00002.
gnomAD v4.1: 3 of 1,609,060 alleles (0.00019%); highest among the groups gnomAD compares: Non-Finnish European, 0.00025%; no homozygotes.

Submission:

Labcorp Genetics (formerly Invitae), Labcorp
Classification: Uncertain significance. Last evaluated: 2022-11-24. Review status: criteria provided, single submitter. Criteria: Invitae Variant Classification Sherloc (09022015). Collection method: clinical testing. Allele origin: germline.
Comment: In summary, the available evidence is currently insufficient to determine the role of this variant in disease. Therefore, it has been classified as a Variant of Uncertain Significance. Algorithms developed to predict the effect of missense changes on protein structure and function are either unavailable or do not agree on the potential impact of this missense change (SIFT: "Tolerated"; PolyPhen-2: "Possibly Damaging"; Align-GVGD: "Class C0"). This variant has not been reported in the literature in individuals affected with ARCN1-related conditions. This variant is present in population databases (rs782189649, gnomAD 0.002%). This sequence change replaces valine, which is neutral and non-polar, with leucine, which is neutral and non-polar, at codon 89 of the ARCN1 protein (p.Val89Leu).